The following is an entry in ClinVar:

ClinVar aggregate classification (germline): Uncertain significance (1 of 4 stars; one submission).

Submission:

GeneDx
Classification: Uncertain significance. Last evaluated: 2023-12-14. Review status: criteria provided, single submitter. Criteria: GeneDx Variant Classification Process June 2021. Collection method: clinical testing. Allele origin: germline. Affected: yes.
Comment: Not observed at significant frequency in large population cohorts (gnomAD); In silico analysis supports that this missense variant has a deleterious effect on protein structure/function; Has not been previously published as pathogenic or benign to our knowledge

NM_019098.5(CNGB3):c.1244A>C (p.Gln415Pro)

Gene: CNGB3 (cyclic nucleotide gated channel subunit beta 3; minus strand). Cytogenetic location: 8q21.3.
Variant type: single nucleotide variant.
Coding change: c.1244A>C on transcript NM_019098.5 (MANE Select); coding-DNA position 1244, A replaced by C.
Protein change: p.Gln415Pro; replaces glutamine 415 with proline.
Molecular consequence: missense variant.
Genome position (GRCh38, 1-based): chr8:86,632,828, T>G on the plus strand (A>C on the coding strand, the complement: CNGB3 is on the minus strand). VCF-style: chr8-86632828-T-G. GRCh37 (hg19) VCF-style: chr8-87645056-T-G.
Other names: short protein forms Q415P.
Identifiers: ClinVar variation 3364503 (VCV003364503.1).
Genomic context (GRCh38, chr8:86,632,828, plus strand): 5'-GAGAACACAAAAACTCCAGAAAAAAAATTCAAGAGTTGAAAAACAATTTCAAATAAAGTT[T>G]GTGGTTCTGGAAGGCCACCAATGGTAATTAAAGTTCGAACTGCCCAATAATAACATCTCA-3'
Protein context (NP_061971.3, residues 405-425): LITIGGLPEP[Gln415Pro]TLFEIVFQLL